The following is an entry in ClinVar:

ClinVar aggregate classification (germline): Uncertain significance (1 of 4 stars; one submission).

Allele frequency attached by ClinVar (database versions not stated): gnomAD exomes below 0.00001; gnomAD 0.00001; TOPMed 0.00001.
gnomAD v4.1: 7 of 1,552,358 alleles (0.00045%); highest among the groups gnomAD compares: South Asian, 0.0048%; no homozygotes.

Submission:

Labcorp Genetics (formerly Invitae), Labcorp
Classification: Uncertain significance. Last evaluated: 2022-07-06. Review status: criteria provided, single submitter. Criteria: Invitae Variant Classification Sherloc (09022015). Collection method: clinical testing. Allele origin: germline.
Comment: In summary, the available evidence is currently insufficient to determine the role of this variant in disease. Therefore, it has been classified as a Variant of Uncertain Significance. Algorithms developed to predict the effect of missense changes on protein structure and function output the following: SIFT: "Tolerated"; PolyPhen-2: "Benign"; Align-GVGD: "Class C0". The threonine amino acid residue is found in multiple mammalian species, which suggests that this missense change does not adversely affect protein function. ClinVar contains an entry for this variant (Variation ID: 1469295). This variant has not been reported in the literature in individuals affected with IL2RB-related conditions. This variant is not present in population databases (gnomAD no frequency). This sequence change replaces alanine, which is neutral and non-polar, with threonine, which is neutral and polar, at codon 20 of the IL2RB protein (p.Ala20Thr).

NM_000878.5(IL2RB):c.58G>A (p.Ala20Thr)

Gene: IL2RB (interleukin 2 receptor subunit beta; minus strand). Cytogenetic location: 22q12.3.
Variant type: single nucleotide variant.
Coding change: c.58G>A on transcript NM_000878.5 (MANE Select); coding-DNA position 58, G replaced by A.
Protein change: p.Ala20Thr; replaces alanine 20 with threonine.
Molecular consequence: missense variant.
Genome position (GRCh38, 1-based): chr22:37,144,115, C>T on the plus strand (G>A on the coding strand, the complement: IL2RB is on the minus strand). VCF-style: chr22-37144115-C-T. GRCh37 (hg19) VCF-style: chr22-37540155-C-T.
Other names: c.58G>A, p.Ala20Thr (NM_001346222.1, NM_001346223.2); short protein forms A20T.
Identifiers: ClinVar variation 1469295 (VCV001469295.8), dbSNP rs1035282252, ClinGen allele CA324056613.